The following is an entry in ClinVar:

NM_003000.3(SDHB):c.559A>C (p.Ile187Leu)

Gene: SDHB (succinate dehydrogenase complex iron sulfur subunit B; minus strand). Cytogenetic location: 1p36.13.
Variant type: single nucleotide variant.
Coding change: c.559A>C on transcript NM_003000.3 (MANE Select); coding-DNA position 559, A replaced by C.
Protein change: p.Ile187Leu; replaces isoleucine 187 with leucine.
Molecular consequence: missense variant.
Genome position (GRCh38, 1-based): chr1:17,024,056, T>G on the plus strand (A>C on the coding strand, the complement: SDHB is on the minus strand). VCF-style: chr1-17024056-T-G. GRCh37 (hg19) VCF-style: chr1-17350551-T-G.
Other names: c.505A>C, p.Ile169Leu (NM_001407361.1); short protein forms I187L, I169L.
Identifiers: ClinVar variation 1998543 (VCV001998543.4), dbSNP rs1557739989, ClinGen allele CA338271368.

ClinVar aggregate classification (germline): Uncertain significance (1 of 4 stars; one submission).

Conditions:
Pheochromocytoma. Also called: MAX-Related Hereditary Paraganglioma-Pheochromocytoma Syndrome. Identifiers: Orphanet 29072, MedGen C0031511, MONDO:0008233, OMIM 171300, HP:0002666.
Gastrointestinal stromal tumor. Also called: Gastrointestinal stroma tumor; Gastrointestinal stromal tumor, somatic. Identifiers: Orphanet 44890, MedGen C0238198, MeSH D046152, MONDO:0011719, OMIM 606764, HP:0100723.
Pheochromocytoma/paraganglioma syndrome 4. Also called: CAROTID BODY TUMORS AND MULTIPLE EXTRAADRENAL PHEOCHROMOCYTOMAS; PARAGANGLIOMA, FAMILIAL MALIGNANT; PARAGANGLIOMAS, HEREDITARY EXTRAADRENAL; PHEOCHROMOCYTOMA, FAMILIAL EXTRAADRENAL; Paragangliomas 4; SDHB-Related Hereditary Paraganglioma-Pheochromocytoma Syndrome (Paragangliomas 4). Identifiers: Orphanet 29072, MedGen C1861848, MONDO:0007273, OMIM 115310.

Submission:

Labcorp Genetics (formerly Invitae), Labcorp
Classification: Uncertain significance for Gastrointestinal stromal tumor; Pheochromocytoma/paraganglioma syndrome 4; Pheochromocytoma. Last evaluated: 2022-05-25. Review status: criteria provided, single submitter. Criteria: Invitae Variant Classification Sherloc (09022015). Collection method: clinical testing. Allele origin: germline.
Comment: This variant is not present in population databases (gnomAD no frequency). In summary, the available evidence is currently insufficient to determine the role of this variant in disease. Therefore, it has been classified as a Variant of Uncertain Significance. Advanced modeling of protein sequence and biophysical properties (such as structural, functional, and spatial information, amino acid conservation, physicochemical variation, residue mobility, and thermodynamic stability) performed at Invitae indicates that this missense variant is expected to disrupt SDHB protein function. This variant has not been reported in the literature in individuals affected with SDHB-related conditions. This sequence change replaces isoleucine, which is neutral and non-polar, with leucine, which is neutral and non-polar, at codon 187 of the SDHB protein (p.Ile187Leu).